The following is an entry in ClinVar:

ClinVar aggregate classification (germline): Likely benign. Review status: criteria provided, single submitter (1 of 4 stars). 2 submissions from 2 submitters: Likely benign (1). 1 of the submissions does not count toward it. Last evaluated 2023-10-27.

Conditions:
DLL1-related disorder. Also called: DLL1-related condition.

Allele frequency attached by ClinVar (database versions not stated): TOPMed below 0.00001; gnomAD 0.00001; gnomAD exomes 0.00001; ExAC 0.00002; ESP Exome Variant Server 0.00008.
gnomAD v4.1: 9 of 1,612,956 alleles (0.00056%); highest among the groups gnomAD compares: Non-Finnish European, 0.00076%; no homozygotes.

Submissions (2):

Blueprint Genetics
Classification: Likely benign. Last evaluated: 2023-10-27. Review status: criteria provided, single submitter. Criteria: ACMG Guidelines, 2015. Collection method: clinical testing. Allele origin: germline.

PreventionGenetics, part of Exact Sciences
Classification: Likely benign for DLL1-related condition. Last evaluated: 2023-09-03. Review status: no assertion criteria provided. Collection method: clinical testing. Allele origin: germline. Not counted in ClinVar's aggregate classification.
Comment: This variant is classified as likely benign based on ACMG/AMP sequence variant interpretation guidelines (Richards et al. 2015 PMID: 25741868, with internal and published modifications).

NM_005618.4(DLL1):c.2001C>G (p.Pro667=)

Genes: DLL1 (delta like canonical Notch ligand 1; minus strand), LOC126859913 (P300/CBP strongly-dependent group 1 enhancer GRCh37_chr6:170591232-170592431; plus strand). Cytogenetic location: 6q27.
Variant type: single nucleotide variant.
Coding change: c.2001C>G on transcript NM_005618.4 (MANE Select); coding-DNA position 2001, C replaced by G.
Protein change: p.Pro667=; no amino-acid change (proline 667 retained).
Molecular consequence: synonymous variant.
Genome position (GRCh38, 1-based): chr6:170,283,278, G>C on the plus strand (C>G on the coding strand, the complement: DLL1 is on the minus strand). VCF-style: chr6-170283278-G-C. GRCh37 (hg19) VCF-style: chr6-170592366-G-C.
Identifiers: ClinVar variation 3031554 (VCV003031554.3), dbSNP rs373176995, ClinGen allele CA4106658.